The following is an entry in ClinVar:

NM_030948.6(PHACTR1):c.1206C>T (p.Asp402=)

Gene: PHACTR1 (phosphatase and actin regulator 1; plus strand). Cytogenetic location: 6p24.1.
Variant type: single nucleotide variant.
Coding change: c.1206C>T on transcript NM_030948.6 (MANE Select); coding-DNA position 1206, C replaced by T.
Protein change: p.Asp402=; no amino-acid change (aspartic acid 402 retained).
Molecular consequence: synonymous variant.
Genome position (GRCh38, 1-based): chr6:13,228,035, C>T. VCF-style: chr6-13228035-C-T. GRCh37 (hg19) VCF-style: chr6-13228267-C-T.
Other names: c.1206C>T, p.Asp402= (NM_001242648.4, NM_001322308.3, NM_001322309.3 and 1 more transcripts); c.1413C>T, p.Asp471= (NM_001322310.2, NM_001374582.1); c.930C>T, p.Asp310= (NM_001322311.2, NM_001322312.3, NM_001374583.2); c.1137C>T, p.Asp379= (NM_001322313.2); c.1416C>T, p.Asp472= (NM_001322314.4).
Identifiers: ClinVar variation 3042778 (VCV003042778.3), dbSNP rs200995179, ClinGen allele CA3639258.

ClinVar aggregate classification (germline): Likely benign. Review status: criteria provided, single submitter (1 of 4 stars). 2 submissions from 2 submitters: Likely benign (1). 1 of the submissions does not count toward it. Last evaluated 2024-11-12.

Conditions:
PHACTR1-related disorder. Also called: PHACTR1-related condition.

Allele frequency attached by ClinVar (database versions not stated): TOPMed 0.00014; gnomAD 0.00015; ExAC 0.00018; gnomAD exomes 0.00027; ESP Exome Variant Server 0.00056.
gnomAD v4.1: 426 of 1,613,310 alleles (0.026%); highest among the groups gnomAD compares: Non-Finnish European, 0.033%; no homozygotes.

Submissions (2):

Blueprint Genetics
Classification: Likely benign. Last evaluated: 2024-11-12. Review status: criteria provided, single submitter. Criteria: ACMG Guidelines, 2015. Collection method: clinical testing. Allele origin: germline.

PreventionGenetics, part of Exact Sciences
Classification: Likely benign for PHACTR1-related condition. Last evaluated: 2019-06-26. Review status: no assertion criteria provided. Collection method: clinical testing. Allele origin: germline. Not counted in ClinVar's aggregate classification.
Comment: This variant is classified as likely benign based on ACMG/AMP sequence variant interpretation guidelines (Richards et al. 2015 PMID: 25741868, with internal and published modifications).